The following is an entry in ClinVar:

NM_000329.3(RPE65):c.1298A>G (p.Tyr433Cys)

Gene: RPE65 (retinoid isomerohydrolase RPE65; minus strand). Cytogenetic location: 1p31.3.
Variant type: single nucleotide variant.
Coding change: c.1298A>G on transcript NM_000329.3 (MANE Select); coding-DNA position 1298, A replaced by G.
Protein change: p.Tyr433Cys; replaces tyrosine 433 with cysteine.
Molecular consequence: missense variant.
Genome position (GRCh38, 1-based): chr1:68,431,322, T>C on the plus strand (A>G on the coding strand, the complement: RPE65 is on the minus strand). VCF-style: chr1-68431322-T-C. GRCh37 (hg19) VCF-style: chr1-68897005-T-C.
Other names: short protein forms Y433C.
Identifiers: ClinVar variation 849102 (VCV000849102.5), dbSNP rs147206805, ClinGen allele CA902212.

ClinVar aggregate classification (germline): Uncertain significance. Review status: criteria provided, multiple submitters, no conflicts (2 of 4 stars). 2 submissions from 2 submitters: Uncertain significance (2). Last evaluated 2023-10-01.

Conditions:
Leber congenital amaurosis 2 (LCA2). Also called: AMAUROSIS CONGENITA OF LEBER II; Autosomal Recessive RPE65-Related Retinal Degeneration. Identifiers: Orphanet 65, MedGen C1859844, MONDO:0008765, OMIM 204100. Disease mechanism: loss of function.
Retinitis pigmentosa 20 (RP20). Identifiers: Orphanet 791, MedGen C3151086, MONDO:0013425, OMIM 613794.
Retinal dystrophy. Also called: Inherited retinal dystrophy. Identifiers: Orphanet 71862, MedGen C0854723, MeSH D058499, MONDO:0019118, HP:0000556.

Allele frequency attached by ClinVar (database versions not stated): TOPMed below 0.00001; ExAC 0.00001; gnomAD 0.00001; gnomAD exomes 0.00001; 1000 Genomes Project 30x 0.00016; 1000 Genomes Project 0.00020.
gnomAD v4.1: 6 of 1,613,978 alleles (0.00037%); highest among the groups gnomAD compares: East Asian, 0.011%; 1 homozygote.

Submissions (2):

Dept Of Ophthalmology, Nagoya University
Classification: Uncertain significance for Retinal dystrophy. Last evaluated: 2023-10-01. Review status: criteria provided, single submitter. Criteria: Submitter's publication. Collection method: research. Allele origin: germline. Affected: yes.

Labcorp Genetics (formerly Invitae), Labcorp
Classification: Uncertain significance for Leber congenital amaurosis 2; Retinitis pigmentosa 20. Last evaluated: 2021-08-28. Review status: criteria provided, single submitter. Criteria: Invitae Variant Classification Sherloc (09022015). Collection method: clinical testing. Allele origin: germline.
Comment: This sequence change replaces tyrosine with cysteine at codon 433 of the RPE65 protein (p.Tyr433Cys). The tyrosine residue is highly conserved and there is a large physicochemical difference between tyrosine and cysteine. This variant is present in population databases (rs147206805, ExAC 0.01%). This variant has not been reported in the literature in individuals affected with RPE65-related conditions. Algorithms developed to predict the effect of missense changes on protein structure and function (SIFT, PolyPhen-2, Align-GVGD) all suggest that this variant is likely to be disruptive. Algorithms developed to predict the effect of sequence changes on RNA splicing suggest that this variant may create or strengthen a splice site. In summary, the available evidence is currently insufficient to determine the role of this variant in disease. Therefore, it has been classified as a Variant of Uncertain Significance.